The following is an entry in ClinVar:

ClinVar aggregate classification (germline): Uncertain significance. Review status: criteria provided, multiple submitters, no conflicts (2 of 4 stars). 3 submissions from 3 submitters: Uncertain significance (3). Last evaluated 2026-06-12.

Conditions:
Inborn genetic diseases. Identifiers: MedGen C0950123, MeSH D030342.

Allele frequency attached by ClinVar (database versions not stated): gnomAD exomes 0.00001; ExAC 0.00001.
gnomAD v4.1: 19 of 1,613,976 alleles (0.0012%); highest among the groups gnomAD compares: Middle Eastern, 0.066%; no homozygotes.

Submissions (3):

Women's Health and Genetics/Laboratory Corporation of America, LabCorp
Classification: Uncertain significance. Last evaluated: 2026-06-12. Review status: criteria provided, single submitter. Criteria: LabCorp Variant Classification Summary - May 2015. Collection method: clinical testing. Allele origin: germline.
Comment: Variant summary: SLC4A1 c.1313C>T (p.Ser438Leu) results in a non-conservative amino acid change in the encoded protein sequence. Algorithms developed to predict the effect of missense changes on protein structure and function are either unavailable or do not agree on the potential impact of this missense change. The variant allele was found at a frequency of 4e-06 in 250434 control chromosomes. The available data on variant occurrences in the general population are insufficient to allow any conclusion about variant significance. To our knowledge, no occurrence of c.1313C>T in individuals affected with SLC4A1-related conditions and no experimental evidence demonstrating its impact on protein function have been reported. ClinVar contains an entry for this variant (Variation ID: 2436058). Based on the evidence outlined above, the variant was classified as uncertain significance.

Ambry Genetics
Classification: Uncertain significance for Inborn genetic diseases. Last evaluated: 2025-04-25. Review status: criteria provided, single submitter. Criteria: Ambry Variant Classification Scheme 2023. Collection method: clinical testing. Allele origin: germline.

Revvity Omics, Revvity
Classification: Uncertain significance. Last evaluated: 2022-12-06. Review status: criteria provided, single submitter. Criteria: ACMG Guidelines, 2015. Collection method: clinical testing. Allele origin: germline.

NM_000342.4(SLC4A1):c.1313C>T (p.Ser438Leu)

Gene: SLC4A1 (solute carrier family 4 member 1 (Diego blood group); minus strand). Cytogenetic location: 17q21.31.
Variant type: single nucleotide variant.
Coding change: c.1313C>T on transcript NM_000342.4 (MANE Select); coding-DNA position 1313, C replaced by T.
Protein change: p.Ser438Leu; replaces serine 438 with leucine.
Molecular consequence: missense variant.
Genome position (GRCh38, 1-based): chr17:44,257,777, G>A on the plus strand (C>T on the coding strand, the complement: SLC4A1 is on the minus strand). VCF-style: chr17-44257777-G-A. GRCh37 (hg19) VCF-style: chr17-42335145-G-A.
Other names: c.1313C>T (NM_000342.3); short protein forms S438L.
Identifiers: ClinVar variation 2436058 (VCV002436058.5), dbSNP rs746715222, ClinGen allele CA8600303.
Genomic context (GRCh38, chr17:44,257,777, plus strand): 5'-GGCTGAGCCCCCAGCAGGGCGAAGAGAATGCCCTGCACTGCAGTGGAGATCAGCAGCTCC[G>A]ACACTCCCATCTGGTTCCGGGTCTTTTCTCCTGTGGGTAGAGGTCACAGTGGGATCAAGG-3'
Protein context (NP_000333.1, residues 428-448): GEKTRNQMGV[Ser438Leu]ELLISTAVQG